The following is an entry in ClinVar:

NM_138295.5(PKD1L1):c.161-8_161-7dup

Gene: PKD1L1 (polycystin 1 like 1, transient receptor potential channel interacting; minus strand). Cytogenetic location: 7p12.3.
Variant type: Duplication.
Coding change: c.161-8_161-7dup on transcript NM_138295.5 (MANE Select); 8 bases into the intron before coding-DNA position 161 through 7 bases into the intron before coding-DNA position 161, 2 bases duplicated (TT; older notation c.161-8_161-7dupTT).
Molecular consequence: intron variant.
Genome position (GRCh38, 1-based): chr7:47,940,324-47,940,325, AA duplicated on the plus strand (TT on the coding strand, the reverse complement: PKD1L1 is on the minus strand); duplicating any 2 consecutive bases within chr7:47,940,324-47,940,335 gives the same sequence; the c. name uses the placement nearest the transcript's 3' end. VCF-style (leftmost placement, unchanged base first): chr7-47940323-G-GAA. GRCh37 (hg19) VCF-style: chr7-47979920-G-GAA.
Identifiers: ClinVar variation 3054233 (VCV003054233.2), dbSNP rs569150360, ClinGen allele CA4254449.

ClinVar aggregate classification (germline): Likely benign (0 of 4 stars; one submission).

Conditions:
PKD1L1-related disorder. Also called: PKD1L1-related condition.

Submission:

PreventionGenetics, part of Exact Sciences
Classification: Likely benign for PKD1L1-related condition. Last evaluated: 2023-11-06. Review status: no assertion criteria provided. Collection method: clinical testing. Allele origin: germline.
Comment: This variant is classified as likely benign based on ACMG/AMP sequence variant interpretation guidelines (Richards et al. 2015 PMID: 25741868, with internal and published modifications).